The following is an entry in ClinVar:

NM_006506.5(RASA2):c.440C>A (p.Ser147Ter)

Gene: RASA2 (RAS p21 protein activator 2; plus strand). Cytogenetic location: 3q23.
Variant type: single nucleotide variant.
Coding change: c.440C>A on transcript NM_006506.5 (MANE Select); coding-DNA position 440, C replaced by A.
Protein change: p.Ser147Ter; replaces serine 147 with a stop codon.
Molecular consequence: nonsense.
Genome position (GRCh38, 1-based): chr3:141,529,792, C>A. VCF-style: chr3-141529792-C-A. GRCh37 (hg19) VCF-style: chr3-141248634-C-A.
Other names: c.440C>A, p.Ser147Ter (NM_001303245.3, NM_001303246.3); short protein forms S147*.
Identifiers: ClinVar variation 2728554 (VCV002728554.3), dbSNP rs200745202, ClinGen allele CA354772186.

ClinVar aggregate classification (germline): Uncertain significance (1 of 4 stars; one submission).

Submission:

Labcorp Genetics (formerly Invitae), Labcorp
Classification: Uncertain significance. Last evaluated: 2023-06-25. Review status: criteria provided, single submitter. Criteria: Invitae Variant Classification Sherloc (09022015). Collection method: clinical testing. Allele origin: germline.
Comment: In summary, the available evidence is currently insufficient to determine the role of this variant in disease. Therefore, it has been classified as a Variant of Uncertain Significance. This variant has not been reported in the literature in individuals affected with RASA2-related conditions. This variant is not present in population databases (gnomAD no frequency). This sequence change creates a premature translational stop signal (p.Ser147*) in the RASA2 gene. It is expected to result in an absent or disrupted protein product. However, the current clinical and genetic evidence is not sufficient to establish whether loss-of-function variants in RASA2 cause disease.